The following is an entry in ClinVar:

ClinVar aggregate classification (germline): Likely benign (1 of 4 stars; one submission).

gnomAD v4.1: 1 of 1,613,784 alleles (0.000062%); highest among the groups gnomAD compares: Non-Finnish European, 0.000085%; no homozygotes.

Submission:

CeGaT Center for Human Genetics Tuebingen
Classification: Likely benign. Last evaluated: 2025-01-01. Review status: criteria provided, single submitter. Criteria: CeGaT Center For Human Genetics Tuebingen Variant Classification Criteria Version 2. Collection method: clinical testing. Allele origin: germline. Affected: yes. Observed: 1 variant allele.
Comment: TRRAP: BP4, BP7

NM_001375524.1(TRRAP):c.10821T>C (p.Leu3607=)

Gene: TRRAP (transformation/transcription domain associated protein; plus strand). Cytogenetic location: 7q22.1.
Variant type: single nucleotide variant.
Coding change: c.10821T>C on transcript NM_001375524.1 (MANE Select); coding-DNA position 10821, T replaced by C.
Protein change: p.Leu3607=; no amino-acid change (leucine 3607 retained).
Molecular consequence: synonymous variant.
Genome position (GRCh38, 1-based): chr7:99,008,444, T>C. VCF-style: chr7-99008444-T-C. GRCh37 (hg19) VCF-style: chr7-98606067-T-C.
Other names: c.10779T>C, p.Leu3593= (NM_001244580.2); c.10692T>C, p.Leu3564= (NM_003496.4).
Identifiers: ClinVar variation 3770808 (VCV003770808.13).
Genomic context (GRCh38, chr7:99,008,444, plus strand): 5'-GGTTGTGGCAGTTTCCCCACAGATGCGCCTCGTGGAGGACAACCCCTCTTCACTTTCCCT[T>C]GTGGAGATCTACAAGCAGCGCTGCGCCAAGAAGGGCATCGAGCATGACAACCCCATCTCC-3'
Protein context (NP_001362453.1, residues 3597-3617): LVEDNPSSLS[Leu3607=]VEIYKQRCAK